The following is an entry in ClinVar:

NM_001174147.2(LMX1B):c.428G>C (p.Cys143Ser)

Gene: LMX1B (LIM homeobox transcription factor 1 beta; plus strand). Cytogenetic location: 9q33.3.
Variant type: single nucleotide variant.
Coding change: c.428G>C on transcript NM_001174147.2 (MANE Select); coding-DNA position 428, G replaced by C.
Protein change: p.Cys143Ser; replaces cysteine 143 with serine.
Molecular consequence: missense variant.
Genome position (GRCh38, 1-based): chr9:126,690,937, G>C. VCF-style: chr9-126690937-G-C. GRCh37 (hg19) VCF-style: chr9-129453216-G-C.
Other names: c.428G>C, p.Cys143Ser (NM_001174146.2, NM_002316.4); short protein forms C143S.
Identifiers: ClinVar variation 1500802 (VCV001500802.8), dbSNP rs2118986969, ClinGen allele CA374912419.

ClinVar aggregate classification (germline): Likely pathogenic (1 of 4 stars; one submission).

Submission:

Labcorp Genetics (formerly Invitae), Labcorp
Classification: Likely pathogenic. Last evaluated: 2021-08-17. Review status: criteria provided, single submitter. Criteria: Invitae Variant Classification Sherloc (09022015). Collection method: clinical testing. Allele origin: germline.
Comment: This variant disrupts the p.Cys143 amino acid residue in LMX1B. Other variant(s) that disrupt this residue have been determined to be pathogenic (PMID: 15928687). This suggests that this residue is clinically significant, and that variants that disrupt this residue are likely to be disease-causing. In summary, the currently available evidence indicates that the variant is pathogenic, but additional data are needed to prove that conclusively. Therefore, this variant has been classified as Likely Pathogenic. This variant has been observed in individuals with nail-patella syndrome (PMID: 10571942; Invitae). It has also been observed to segregate with disease in related individuals. This variant is not present in population databases (ExAC no frequency). This sequence change replaces cysteine with serine at codon 143 of the LMX1B protein (p.Cys143Ser). The cysteine residue is highly conserved and there is a moderate physicochemical difference between cysteine and serine. This variant is also known as C120S (359G→C). Algorithms developed to predict the effect of missense changes on protein structure and function are either unavailable or do not agree on the potential impact of this missense change (SIFT: "Deleterious"; PolyPhen-2: "Probably Damaging"; Align-GVGD: "Class C0").

Literature cited by the submitters: PubMed 15928687; PubMed 10571942.